The following is an entry in ClinVar:

NM_001283009.2(RTEL1):c.2986C>G (p.Pro996Ala)

Genes: RTEL1 (regulator of telomere elongation helicase 1; plus strand), RTEL1-TNFRSF6B (RTEL1-TNFRSF6B readthrough (NMD candidate); plus strand). Cytogenetic location: 20q13.33.
Variant type: single nucleotide variant.
Coding change: c.2986C>G on transcript NM_001283009.2 (MANE Select); coding-DNA position 2986, C replaced by G.
Protein change: p.Pro996Ala; replaces proline 996 with alanine.
Molecular consequence: missense variant. On other transcripts: non-coding transcript variant (1).
Genome position (GRCh38, 1-based): chr20:63,693,277, C>G. VCF-style: chr20-63693277-C-G. GRCh37 (hg19) VCF-style: chr20-62324630-C-G.
Other names: c.3058C>G (NM_032957.4); c.2317C>G, p.Pro773Ala (NM_001283010.1); c.2986C>G, p.Pro996Ala (NM_016434.4); c.3058C>G, p.Pro1020Ala (NM_032957.5); short protein forms P773A, P996A, P1020A.
Identifiers: ClinVar variation 3791086 (VCV003791086.2).
Genomic context (GRCh38, chr20:63,693,277, plus strand): 5'-TGTGGCTATCGGCCTGAGCACAGCATTCCCCGAAGGCAGCGGGCACAGCCGGTCCTGGAC[C>G]CCACTGGTAAATGGGGCCCCAGGTGGGACCCTCAGACTCCTGCGTGGAAGGCAGTGTGGG-3'
Protein context (NP_001269938.1, residues 986-1006): RRQRAQPVLD[Pro996Ala]TGRTAPDPKL

ClinVar aggregate classification (germline): Uncertain significance. Review status: criteria provided, multiple submitters, no conflicts (2 of 4 stars). 2 submissions from 2 submitters: Uncertain significance (2). Last evaluated 2025-02-19.

Conditions:
Inborn genetic diseases. Identifiers: MedGen C0950123, MeSH D030342.

gnomAD v4.1: 2 of 1,611,674 alleles (0.00012%); highest among the groups gnomAD compares: Non-Finnish European, 0.000085%; no homozygotes.

Submissions (2):

GeneDx
Classification: Uncertain significance. Last evaluated: 2025-02-19. Review status: criteria provided, single submitter. Criteria: GeneDx Variant Classification Process June 2021. Collection method: clinical testing. Allele origin: germline. Affected: yes.
Comment: Not observed at significant frequency in large population cohorts (gnomAD); In silico analysis indicates that this missense variant does not alter protein structure/function; Has not been previously published as pathogenic or benign to our knowledge

Ambry Genetics
Classification: Uncertain significance for Inborn genetic diseases. Last evaluated: 2025-01-23. Review status: criteria provided, single submitter. Criteria: Ambry Variant Classification Scheme 2023. Collection method: clinical testing. Allele origin: germline.
Comment: The p.P996A variant (also known as c.2986C>G), located in coding exon 29 of the RTEL1 gene, results from a C to G substitution at nucleotide position 2986. The proline at codon 996 is replaced by alanine, an amino acid with highly similar properties. This amino acid position is conserved. In addition, this alteration is predicted to be tolerated by in silico analysis. Based on the available evidence, the clinical significance of this variant remains unclear.